The following is an entry in ClinVar:

NM_182916.3(TRNT1):c.902A>C (p.Lys301Thr)

Gene: TRNT1 (tRNA nucleotidyl transferase 1; plus strand). Cytogenetic location: 3p26.2.
Variant type: single nucleotide variant.
Coding change: c.902A>C on transcript NM_182916.3 (MANE Select); coding-DNA position 902, A replaced by C.
Protein change: p.Lys301Thr; replaces lysine 301 with threonine.
Molecular consequence: missense variant. On other transcripts: non-coding transcript variant (8).
Genome position (GRCh38, 1-based): chr3:3,147,549, A>C. VCF-style: chr3-3147549-A-C. GRCh37 (hg19) VCF-style: chr3-3189233-A-C.
Other names: c.842A>C, p.Lys281Thr (NM_001302946.2); c.902A>C, p.Lys301Thr (NM_001367321.1, NM_001367322.1, NM_001367323.1); short protein forms K281T, K301T.
Identifiers: ClinVar variation 4744393 (VCV004744393.1).

ClinVar aggregate classification (germline): Uncertain significance (1 of 4 stars; one submission).

Conditions:
Congenital sideroblastic anemia-B-cell immunodeficiency-periodic fever-developmental delay syndrome. Also called: Sideroblastic anemia with B-cell immunodeficiency, periodic fevers, and developmental delay. Identifiers: Orphanet 369861, MedGen C4015172, MONDO:0014487, OMIM 616084.

Submission:

Labcorp Genetics (formerly Invitae), Labcorp
Classification: Uncertain significance for Congenital sideroblastic anemia-B-cell immunodeficiency-periodic fever-developmental delay syndrome. Last evaluated: 2025-12-31. Review status: criteria provided, single submitter. Criteria: Invitae Variant Classification Sherloc (09022015). Collection method: clinical testing. Allele origin: germline.
Comment: This sequence change replaces lysine, which is basic and polar, with threonine, which is neutral and polar, at codon 301 of the TRNT1 protein (p.Lys301Thr). This variant is not present in population databases (gnomAD no frequency). This variant has not been reported in the literature in individuals affected with TRNT1-related conditions. Invitae Evidence Modeling of protein sequence and biophysical properties (such as structural, functional, and spatial information, amino acid conservation, physicochemical variation, residue mobility, and thermodynamic stability) indicates that this missense variant is not expected to disrupt TRNT1 protein function with a negative predictive value of 80%. In summary, the available evidence is currently insufficient to determine the role of this variant in disease. Therefore, it has been classified as a Variant of Uncertain Significance.